The following is an entry in ClinVar:

ClinVar aggregate classification (germline): Uncertain significance. Review status: criteria provided, multiple submitters, no conflicts (2 of 4 stars). 2 submissions from 2 submitters: Uncertain significance (2). Last evaluated 2025-06-29.

Conditions:
Inborn genetic diseases. Identifiers: MedGen C0950123, MeSH D030342.
Carnitine acylcarnitine translocase deficiency (CACTD). Identifiers: Orphanet 159, MedGen C0342791, MONDO:0008918, OMIM 212138.

Allele frequency attached by ClinVar (database versions not stated): gnomAD exomes below 0.00001; TOPMed below 0.00001; ExAC 0.00001.
gnomAD v4.1: 4 of 1,613,974 alleles (0.00025%); highest among the groups gnomAD compares: Admixed American, 0.005%; no homozygotes.

Submissions (2):

Ambry Genetics
Classification: Uncertain significance for Inborn genetic diseases. Last evaluated: 2025-06-29. Review status: criteria provided, single submitter. Criteria: Ambry Variant Classification Scheme 2023. Collection method: clinical testing. Allele origin: germline.

Labcorp Genetics (formerly Invitae), Labcorp
Classification: Uncertain significance for Carnitine acylcarnitine translocase deficiency. Last evaluated: 2022-07-11. Review status: criteria provided, single submitter. Criteria: Invitae Variant Classification Sherloc (09022015). Collection method: clinical testing. Allele origin: germline.
Comment: In summary, the available evidence is currently insufficient to determine the role of this variant in disease. Therefore, it has been classified as a Variant of Uncertain Significance. Algorithms developed to predict the effect of missense changes on protein structure and function are either unavailable or do not agree on the potential impact of this missense change (SIFT: "Deleterious"; PolyPhen-2: "Probably Damaging"; Align-GVGD: "Class C0"). This variant has not been reported in the literature in individuals affected with SLC25A20-related conditions. This variant is present in population databases (rs749560455, gnomAD 0.003%). This sequence change replaces leucine, which is neutral and non-polar, with proline, which is neutral and non-polar, at codon 294 of the SLC25A20 protein (p.Leu294Pro).

NM_000387.6(SLC25A20):c.881T>C (p.Leu294Pro)

Gene: SLC25A20 (solute carrier family 25 member 20; minus strand). Cytogenetic location: 3p21.31.
Variant type: single nucleotide variant.
Coding change: c.881T>C on transcript NM_000387.6 (MANE Select); coding-DNA position 881, T replaced by C.
Protein change: p.Leu294Pro; replaces leucine 294 with proline.
Molecular consequence: missense variant.
Genome position (GRCh38, 1-based): chr3:48,857,735, A>G on the plus strand (T>C on the coding strand, the complement: SLC25A20 is on the minus strand). VCF-style: chr3-48857735-A-G. GRCh37 (hg19) VCF-style: chr3-48895168-A-G.
Other names: c.881T>C (NM_000387.5); short protein forms L294P.
Identifiers: ClinVar variation 2414178 (VCV002414178.4), dbSNP rs749560455, ClinGen allele CA2387251.